The following is an entry in ClinVar:

ClinVar aggregate classification (germline): Uncertain significance (1 of 4 stars; one submission).

Submission:

GeneDx
Classification: Uncertain significance. Last evaluated: 2025-03-19. Review status: criteria provided, single submitter. Criteria: GeneDx Variant Classification Process June 2021. Collection method: clinical testing. Allele origin: germline. Affected: yes.
Comment: Not observed at significant frequency in large population cohorts (gnomAD); Frameshift variant predicted to result in abnormal protein length as the last 66 amino acid(s) are replaced with 19 different amino acid(s); Has not been previously published as pathogenic or benign to our knowledge

NM_001130438.3(SPTAN1):c.7225_7229dup (p.Glu2412fs)

Gene: SPTAN1 (spectrin alpha, non-erythrocytic 1; plus strand). Cytogenetic location: 9q34.11.
Variant type: Duplication.
Coding change: c.7225_7229dup on transcript NM_001130438.3 (MANE Select); coding-DNA positions 7225 to 7229, 5 bases duplicated (AAGTC; older notation c.7225_7229dupAAGTC).
Protein change: p.Glu2412fs; shifts the reading frame from glutamic acid 2412.
Molecular consequence: frameshift variant.
Genome position (GRCh38, 1-based): chr9:128,632,872-128,632,876, AAGTC duplicated; duplicating any 5 consecutive bases within chr9:128,632,869-128,632,876 gives the same sequence; the c. name uses the placement nearest the transcript's 3' end. VCF-style (leftmost placement, unchanged base first): chr9-128632868-C-CGTCAA. GRCh37 (hg19) VCF-style: chr9-131395147-C-CGTCAA.
Other names: c.7150_7154dup, p.Glu2387fs (NM_001195532.2); c.7288_7292dup, p.Glu2433fs (NM_001363759.2); c.7165_7169dup, p.Glu2392fs (NM_001363765.2, NM_001375314.2); c.7312_7316dup, p.Glu2441fs (NM_001375310.1); c.7225_7229dup, p.Glu2412fs (NM_001375311.2); c.7261_7265dup, p.Glu2424fs (NM_001375312.2, NM_001438440.1); c.7207_7211dup, p.Glu2406fs (NM_001375313.1); c.7324_7328dup, p.Glu2445fs (NM_001375318.1); and 6 more; short protein forms E2381fs, E2386fs, E2387fs, E2392fs, E2401fs, E2406fs, E2407fs, E2408fs.
Identifiers: ClinVar variation 4086401 (VCV004086401.1).